The following is an entry in ClinVar:

ClinVar aggregate classification (germline): Uncertain significance (1 of 4 stars; one submission).

Allele frequency attached by ClinVar (database versions not stated): gnomAD exomes 0.00001.
gnomAD v4.1: 3 of 1,596,542 alleles (0.00019%); highest among the groups gnomAD compares: Admixed American, 0.0033%; no homozygotes.

Submission:

Labcorp Genetics (formerly Invitae), Labcorp
Classification: Uncertain significance. Last evaluated: 2022-08-19. Review status: criteria provided, single submitter. Criteria: Invitae Variant Classification Sherloc (09022015). Collection method: clinical testing. Allele origin: germline.
Comment: In summary, the available evidence is currently insufficient to determine the role of this variant in disease. Therefore, it has been classified as a Variant of Uncertain Significance. Algorithms developed to predict the effect of missense changes on protein structure and function output the following: SIFT: "Not Available"; PolyPhen-2: "Benign"; Align-GVGD: "Not Available". The serine amino acid residue is found in multiple mammalian species, which suggests that this missense change does not adversely affect protein function. ClinVar contains an entry for this variant (Variation ID: 1406719). This variant has not been reported in the literature in individuals affected with TCF3-related conditions. This variant is present in population databases (no rsID available, gnomAD 0.006%). This sequence change replaces proline with serine at codon 448 of the TCF3 protein (p.Pro448Ser). The proline residue is weakly conserved and there is a moderate physicochemical difference between proline and serine.

NM_003200.5(TCF3):c.1342C>T (p.Pro448Ser)

Gene: TCF3 (transcription factor 3; minus strand). Cytogenetic location: 19p13.3.
Variant type: single nucleotide variant.
Coding change: c.1342C>T on transcript NM_003200.5 (MANE Select); coding-DNA position 1342, C replaced by T.
Protein change: p.Pro448Ser; replaces proline 448 with serine.
Molecular consequence: missense variant.
Genome position (GRCh38, 1-based): chr19:1,619,219, G>A on the plus strand (C>T on the coding strand, the complement: TCF3 is on the minus strand). VCF-style: chr19-1619219-G-A. GRCh37 (hg19) VCF-style: chr19-1619218-G-A.
Other names: c.1342C>T, p.Pro448Ser (NM_001136139.4, NM_001351779.2); c.1339C>T, p.Pro447Ser (NM_001351778.2); short protein forms P448S, P447S.
Identifiers: ClinVar variation 1406719 (VCV001406719.8), dbSNP rs879255378, ClinGen allele CA403052496.